The following is an entry in ClinVar:

ClinVar aggregate classification (germline): Uncertain significance (1 of 4 stars; one submission).

Submission:

CeGaT Center for Human Genetics Tuebingen
Classification: Uncertain significance. Last evaluated: 2022-12-01. Review status: criteria provided, single submitter. Criteria: CeGaT Center For Human Genetics Tuebingen Variant Classification Criteria Version 2. Collection method: clinical testing. Allele origin: germline. Affected: yes. Observed: 1 variant allele.
Comment: KLF10: PM2

NM_005655.4(KLF10):c.367_368del (p.Ser123fs)

Gene: KLF10 (KLF transcription factor 10; minus strand). Cytogenetic location: 8q22.3.
Variant type: Microsatellite.
Coding change: c.367_368del on transcript NM_005655.4 (MANE Select); coding-DNA positions 367 to 368, 2 bases deleted (TC; older notation c.367_368delTC).
Protein change: p.Ser123fs; shifts the reading frame from serine 123.
Molecular consequence: frameshift variant.
Genome position (GRCh38, 1-based): chr8:102,651,964-102,651,965, GA deleted on the plus strand (TC on the coding strand, the reverse complement: KLF10 is on the minus strand); deleting any 2 consecutive bases within chr8:102,651,964-102,651,968 gives the same sequence; the c. name uses the placement nearest the transcript's 3' end. VCF-style (leftmost placement, unchanged base first): chr8-102651963-TGA-T. GRCh37 (hg19) VCF-style: chr8-103664191-TGA-T.
Other names: c.334_335del, p.Ser112fs (NM_001032282.4); short protein forms S112fs, S123fs.
Identifiers: ClinVar variation 2658734 (VCV002658734.24), dbSNP rs2537071949, ClinGen allele CA2695201512.
Genomic context (GRCh38, chr8:102,651,963, plus strand): 5'-AGATACTGGGCTCTTTTCTTCCTCTTTGAAAGGTGCGGCAATGTGAGGTTTGGCAGTATC[TGA>T]GAGTGACTTGAAGTGTACAGTAGATGGCGCTGGTGCCATCAGATTTGACACTTGAGAGGG-3'